The following is an entry in ClinVar:

ClinVar aggregate classification (germline): Conflicting classifications of pathogenicity. Review status: criteria provided, conflicting classifications (1 of 4 stars). 9 submissions from 9 submitters: Uncertain significance (3); Benign (1); Likely benign (4). 1 of the submissions does not count toward it. Last evaluated 2026-07-01.

Conditions:
Hereditary sensory and autonomic neuropathy. Identifiers: Orphanet 140471, MedGen C0027889, MONDO:0015364.
ELP1-Associated Medulloblastoma. Identifiers: MedGen C5670652.
ELP1-related disorder. Also called: ELP1-related condition.
Familial dysautonomia. Also called: FD; HSAN III. Identifiers: Orphanet 1764, MedGen C0013364, MONDO:0009131, OMIM 223900. Disease mechanism: loss of function.

Allele frequency attached by ClinVar (database versions not stated): ESP Exome Variant Server 0.00069; gnomAD 0.00076 and 0.00078; ExAC 0.00080; gnomAD exomes 0.00088 and 0.00100; 1000 Genomes Project 30x 0.00094; 1000 Genomes Project 0.00100; TOPMed 0.00100.

Submissions (9):

CeGaT Center for Human Genetics Tuebingen
Classification: Likely benign. Last evaluated: 2026-07-01. Review status: criteria provided, single submitter. Criteria: CeGaT Center For Human Genetics Tuebingen Variant Classification Criteria Version 2. Collection method: clinical testing. Allele origin: germline. Affected: yes. Observed: 3 variant alleles.
Comment: ELP1: BP4

Labcorp Genetics (formerly Invitae), Labcorp
Classification: Benign. Last evaluated: 2026-01-28. Review status: criteria provided, single submitter. Criteria: Invitae Variant Classification Sherloc (09022015). Collection method: clinical testing. Allele origin: germline.

PreventionGenetics, part of Exact Sciences
Classification: Likely benign for ELP1-related condition. Last evaluated: 2025-08-20. Review status: criteria provided, single submitter. Criteria: ACMG Guidelines, 2015. Collection method: clinical testing. Allele origin: germline.
Comment: This variant is classified as likely benign based on ACMG/AMP sequence variant interpretation guidelines (Richards et al. 2015 PMID: 25741868, with internal and published modifications).

Institute for Genomic Medicine (IGM) Clinical Laboratory, Nationwide Children's Hospital
Classification: Uncertain significance for ELP1-Associated Medulloblastoma. Last evaluated: 2022-06-20. Review status: criteria provided, single submitter. Criteria: ACMG Guidelines, 2015. Collection method: clinical testing. Allele origin: germline.
Comment: This variant results in a missense alteration in a gene for which primarily truncating variants are known to cause disease (ACMG/AMP: BP1).

Ambry Genetics
Classification: Likely benign. Last evaluated: 2022-02-07. Review status: criteria provided, single submitter. Criteria: Ambry Variant Classification Scheme 2023. Collection method: clinical testing. Allele origin: germline.

GeneDx
Classification: Likely benign. Last evaluated: 2019-05-16. Review status: criteria provided, single submitter. Criteria: GeneDx Variant Classification Process June 2021. Collection method: clinical testing. Allele origin: germline. Affected: yes.
Comment: This variant is associated with the following publications: (PMID: 26392352, 25203624)

Illumina Laboratory Services, Illumina
Classification: Uncertain significance for Familial dysautonomia. Last evaluated: 2018-01-12. Review status: criteria provided, single submitter. Criteria: ICSL Variant Classification Criteria 13 December 2019. Collection method: clinical testing. Allele origin: germline.

Women's Health and Genetics/Laboratory Corporation of America, LabCorp
Classification: Uncertain significance. Last evaluated: 2017-11-06. Review status: criteria provided, single submitter. Criteria: LabCorp Variant Classification Summary - May 2015. Collection method: clinical testing. Allele origin: germline.
Comment: Variant summary: The IKBKAP c.1213C>T (p.Arg405Trp) variant involves the alteration of a conserved nucleotide. 3/3 in silico tools predict a damaging outcome for this variant (SNPsandGO not captured due to low reliability index). This variant was found in 236/277108 control chromosomes at a frequency of 0.0008517, which does not exceed the estimated maximal expected allele frequency of a pathogenic IKBKAP variant (0.001838). However, one subpopulation (Ashkenazi Jewish) has an allele frequency that is approximately 2 times above the maximal expected allele frequency, and two homozygous controls individuals of South Asian descent have been identified, suggesting a benign impact for the variant. One clinical diagnostic laboratories/reputable databases classified this variant as one of uncertain significance. Taken together, this variant is classified as VUS-possibly benign.

Natera, Inc.
Classification: Likely benign for Hereditary sensory and autonomic neuropathy. Last evaluated: 2020-04-16. Review status: no assertion criteria provided. Collection method: clinical testing. Allele origin: germline. Not counted in ClinVar's aggregate classification.

Literature cited by the submitters: PubMed 26392352 (cited by Women's Health and Genetics/Laboratory Corporation of America, LabCorp).

NM_003640.5(ELP1):c.1213C>T (p.Arg405Trp)

Gene: ELP1 (elongator acetyltransferase complex subunit 1; minus strand). Cytogenetic location: 9q31.3.
Variant type: single nucleotide variant.
Coding change: c.1213C>T on transcript NM_003640.5 (MANE Select); coding-DNA position 1213, C replaced by T.
Protein change: p.Arg405Trp; replaces arginine 405 with tryptophan.
Molecular consequence: missense variant.
Genome position (GRCh38, 1-based): chr9:108,911,157, G>A on the plus strand (C>T on the coding strand, the complement: ELP1 is on the minus strand). VCF-style: chr9-108911157-G-A. GRCh37 (hg19) VCF-style: chr9-111673437-G-A.
Other names: c.1213C>T (LRG_251t1, NM_003640.4); c.871C>T, p.Arg291Trp (NM_001318360.2); c.166C>T, p.Arg56Trp (NM_001330749.2); short protein forms R405W, R291W, R56W.
Identifiers: ClinVar variation 372384 (VCV000372384.64), dbSNP rs139703788, ClinGen allele CA5175080.